The following is an entry in ClinVar:

NM_002016.2(FLG):c.7044C>T (p.His2348=)

Genes: CCDST (cervical cancer associated DHX9 suppressive transcript; plus strand), FLG (filaggrin; minus strand). Cytogenetic location: 1q21.3.
Variant type: single nucleotide variant.
Coding change: c.7044C>T on transcript NM_002016.2 (MANE Select); coding-DNA position 7044, C replaced by T.
Protein change: p.His2348=; no amino-acid change (histidine 2348 retained).
Molecular consequence: synonymous variant.
Genome position (GRCh38, 1-based): chr1:152,307,842, G>A on the plus strand (C>T on the coding strand, the complement: FLG is on the minus strand). VCF-style: chr1-152307842-G-A. GRCh37 (hg19) VCF-style: chr1-152280318-G-A.
Identifiers: ClinVar variation 2639273 (VCV002639273.25), dbSNP rs147071702, ClinGen allele CA1104919.

ClinVar aggregate classification (germline): Likely benign. Review status: criteria provided, multiple submitters, no conflicts (2 of 4 stars). 2 submissions from 2 submitters: Likely benign (2). Last evaluated 2026-03-01.

Allele frequency attached by ClinVar (database versions not stated): 1000 Genomes Project 30x 0.00016; 1000 Genomes Project 0.00020; gnomAD exomes 0.00068; ESP Exome Variant Server 0.00070; TOPMed 0.00085.
gnomAD v4.1: 1,102 of 1,613,230 alleles (0.068%); highest among the groups gnomAD compares: Middle Eastern, 0.12%; 6 homozygotes.

Submissions (2):

CeGaT Center for Human Genetics Tuebingen
Classification: Likely benign. Last evaluated: 2026-03-01. Review status: criteria provided, single submitter. Criteria: CeGaT Center For Human Genetics Tuebingen Variant Classification Criteria Version 2. Collection method: clinical testing. Allele origin: germline. Affected: yes. Observed: 6 variant alleles.
Comment: FLG: BP4, BP7

Blueprint Genetics
Classification: Likely benign. Last evaluated: 2024-10-28. Review status: criteria provided, single submitter. Criteria: ACMG Guidelines, 2015. Collection method: clinical testing. Allele origin: germline.